The following is an entry in ClinVar:

ClinVar aggregate classification (germline): Uncertain significance (1 of 4 stars; one submission).

Conditions:
Glycogen storage disease, type II (IOPD). Also called: CARDIOMEGALIA GLYCOGENICA DIFFUSA; Glycogen storage disease type 2; Acid maltase deficiency disease; Aglucosidase alfa; Deficiency of alpha-glucosidase; Deficiency of lysosomal alpha-glucosidase. Identifiers: Orphanet 365, MedGen C0017921, MONDO:0009290, OMIM 232300.

Submission:

Labcorp Genetics (formerly Invitae), Labcorp
Classification: Uncertain significance for Glycogen storage disease, type II. Last evaluated: 2024-05-02. Review status: criteria provided, single submitter. Criteria: Invitae Variant Classification Sherloc (09022015). Collection method: clinical testing. Allele origin: germline.
Comment: This sequence change replaces arginine, which is basic and polar, with glycine, which is neutral and non-polar, at codon 870 of the GAA protein (p.Arg870Gly). This variant is not present in population databases (gnomAD no frequency). This variant has not been reported in the literature in individuals affected with GAA-related conditions. Advanced modeling of protein sequence and biophysical properties (such as structural, functional, and spatial information, amino acid conservation, physicochemical variation, residue mobility, and thermodynamic stability) performed at Invitae indicates that this missense variant is not expected to disrupt GAA protein function with a negative predictive value of 95%. In summary, the available evidence is currently insufficient to determine the role of this variant in disease. Therefore, it has been classified as a Variant of Uncertain Significance.

NM_000152.5(GAA):c.2608C>G (p.Arg870Gly)

Gene: GAA (alpha glucosidase; plus strand). Cytogenetic location: 17q25.3.
Variant type: single nucleotide variant.
Coding change: c.2608C>G on transcript NM_000152.5 (MANE Select); coding-DNA position 2608, C replaced by G.
Protein change: p.Arg870Gly; replaces arginine 870 with glycine.
Molecular consequence: missense variant.
Genome position (GRCh38, 1-based): chr17:80,118,319, C>G. VCF-style: chr17-80118319-C-G. GRCh37 (hg19) VCF-style: chr17-78092118-C-G.
Other names: c.2608C>G, p.Arg870Gly (NM_001079803.3, NM_001079804.3, NM_001406741.1 and 1 more transcripts); short protein forms R870G.
Identifiers: ClinVar variation 3634760 (VCV003634760.2).